The following is an entry in ClinVar:

NM_002485.5(NBN):c.602A>T (p.Asp201Val)

Gene: NBN (nibrin; minus strand). Cytogenetic location: 8q21.3.
Variant type: single nucleotide variant.
Coding change: c.602A>T on transcript NM_002485.5 (MANE Select); coding-DNA position 602, A replaced by T.
Protein change: p.Asp201Val; replaces aspartic acid 201 with valine.
Molecular consequence: missense variant.
Genome position (GRCh38, 1-based): chr8:89,971,273, T>A on the plus strand (A>T on the coding strand, the complement: NBN is on the minus strand). VCF-style: chr8-89971273-T-A. GRCh37 (hg19) VCF-style: chr8-90983501-T-A.
Other names: p.D201V:GAT>GTT; c.356A>T, p.Asp119Val (NM_001024688.3); short protein forms D201V, D119V.
Identifiers: ClinVar variation 127875 (VCV000127875.19), dbSNP rs587780098, ClinGen allele CA287943.
Genomic context (GRCh38, chr8:89,971,273, plus strand): 5'-ATTTGTTTTCTTTCCTGCCGTCCTGACAGATCAACATTTTTACTTCCAATAGATGGTTCA[T>A]CAAGAGGTGGGTAAAAACTGTAAAAATAATTAAAGTATATTCTAATTATATACTACTATG-3'
Protein context (NP_002476.2, residues 191-211): PQIESFYPPL[Asp201Val]EPSIGSKNVD

ClinVar aggregate classification (germline): Uncertain significance. Review status: criteria provided, multiple submitters, no conflicts (2 of 4 stars). 4 submissions from 4 submitters: Uncertain significance (4). Last evaluated 2023-10-29.

Conditions:
Hereditary cancer-predisposing syndrome. Also called: Tumor predisposition; Hereditary Cancer Syndrome; Neoplastic Syndromes, Hereditary; Hereditary neoplastic syndrome. Identifiers: Orphanet 140162, MedGen C0027672, MeSH D009386, MONDO:0015356.
Microcephaly, normal intelligence and immunodeficiency (NBS). Also called: IMMUNODEFICIENCY, MICROCEPHALY, AND CHROMOSOMAL INSTABILITY; SEEMANOVA SYNDROME II; Nijmegen breakage syndrome; Microcephaly with normal intelligence immunodeficiency and lymphoreticular malignancies; Nonsyndromal microcephaly autosomal recessive with normal intelligence; Seemanova syndrome 2. Identifiers: Orphanet 647, MedGen C0398791, MONDO:0009623, OMIM 251260.

gnomAD v4.1: 4 of 1,612,560 alleles (0.00025%); highest among the groups gnomAD compares: Non-Finnish European, 0.00025%; no homozygotes.

Submissions (4):

Labcorp Genetics (formerly Invitae), Labcorp
Classification: Uncertain significance for Microcephaly, normal intelligence and immunodeficiency. Last evaluated: 2023-10-29. Review status: criteria provided, single submitter. Criteria: Invitae Variant Classification Sherloc (09022015). Collection method: clinical testing. Allele origin: germline.
Comment: This sequence change replaces aspartic acid, which is acidic and polar, with valine, which is neutral and non-polar, at codon 201 of the NBN protein (p.Asp201Val). This variant is present in population databases (rs587780098, gnomAD 0.0009%). This variant has not been reported in the literature in individuals affected with NBN-related conditions. ClinVar contains an entry for this variant (Variation ID: 127875). An algorithm developed to predict the effect of missense changes on protein structure and function (PolyPhen-2) suggests that this variant is likely to be disruptive. In summary, the available evidence is currently insufficient to determine the role of this variant in disease. Therefore, it has been classified as a Variant of Uncertain Significance.

GeneDx
Classification: Uncertain significance. Last evaluated: 2022-12-30. Review status: criteria provided, single submitter. Criteria: GeneDx Variant Classification Process June 2021. Collection method: clinical testing. Allele origin: germline. Affected: yes.
Comment: Not observed at significant frequency in large population cohorts (gnomAD); In silico analysis supports that this missense variant has a deleterious effect on protein structure/function; Has not been previously published as pathogenic or benign to our knowledge; This variant is associated with the following publications: (PMID: 24894818)

Ambry Genetics
Classification: Uncertain significance for Hereditary cancer-predisposing syndrome. Last evaluated: 2022-10-21. Review status: criteria provided, single submitter. Criteria: Ambry Variant Classification Scheme 2023. Collection method: clinical testing. Allele origin: germline.
Comment: The p.D201V variant (also known as c.602A>T), located in coding exon 6 of the NBN gene, results from an A to T substitution at nucleotide position 602. The aspartic acid at codon 201 is replaced by valine, an amino acid with highly dissimilar properties. This amino acid position is highly conserved in available vertebrate species. In addition, this alteration is predicted to be deleterious by in silico analysis. Since supporting evidence is limited at this time, the clinical significance of this alteration remains unclear.

Genome-Nilou Lab
Classification: Uncertain significance for Microcephaly, normal intelligence and immunodeficiency. Last evaluated: 2021-11-07. Review status: criteria provided, single submitter. Criteria: ACMG Guidelines, 2015. Collection method: clinical testing. Allele origin: germline. Affected: no.